The following is an entry in ClinVar:

NM_004260.4(RECQL4):c.2521G>A (p.Ala841Thr)

Gene: RECQL4 (RecQ like helicase 4; minus strand). Cytogenetic location: 8q24.3.
Variant type: single nucleotide variant.
Coding change: c.2521G>A on transcript NM_004260.4 (MANE Select); coding-DNA position 2521, G replaced by A.
Protein change: p.Ala841Thr; replaces alanine 841 with threonine.
Molecular consequence: missense variant. On other transcripts: non-coding transcript variant (3).
Genome position (GRCh38, 1-based): chr8:144,513,081, C>T on the plus strand (G>A on the coding strand, the complement: RECQL4 is on the minus strand). VCF-style: chr8-144513081-C-T. GRCh37 (hg19) VCF-style: chr8-145738464-C-T.
Other names: c.2227G>A, p.Ala743Thr (NM_001413017.1); c.2323G>A, p.Ala775Thr (NM_001413018.1); c.2521G>A, p.Ala841Thr (NM_001413019.1, NM_001413036.1); c.2425G>A, p.Ala809Thr (NM_001413020.1); c.1450G>A, p.Ala484Thr (NM_001413021.1, NM_001413022.1, NM_001413023.1 and 5 more transcripts); c.2392G>A, p.Ala798Thr (NM_001413025.1); c.1384G>A, p.Ala462Thr (NM_001413027.1, NM_001413030.1, NM_001413032.1 and 1 more transcripts); c.2170G>A, p.Ala724Thr (NM_001413029.1); and 7 more; short protein forms A440T, A775T, A352T, A462T, A724T, A798T, A418T, A484T.
Identifiers: ClinVar variation 2849471 (VCV002849471.4), dbSNP rs1827559355, ClinGen allele CA372677205.

ClinVar aggregate classification (germline): Uncertain significance. Review status: criteria provided, multiple submitters, no conflicts (2 of 4 stars). 2 submissions from 2 submitters: Uncertain significance (2). Last evaluated 2026-04-10.

Conditions:
Inborn genetic diseases. Identifiers: MedGen C0950123, MeSH D030342.
Baller-Gerold syndrome (BGS). Also called: CRANIOSYNOSTOSIS WITH RADIAL DEFECTS. Identifiers: Orphanet 1225, MedGen C0265308, MONDO:0009039, OMIM 218600.

Submissions (2):

Ambry Genetics
Classification: Uncertain significance for Inborn genetic diseases. Last evaluated: 2026-04-10. Review status: criteria provided, single submitter. Criteria: Ambry Variant Classification Scheme 2023. Collection method: clinical testing. Allele origin: germline.
Comment: The p.A841T variant (also known as c.2521G>A), located in coding exon 15 of the RECQL4 gene, results from a G to A substitution at nucleotide position 2521. The alanine at codon 841 is replaced by threonine, an amino acid with similar properties. This amino acid position is conserved. Based on the available evidence, the clinical significance of this variant remains unclear.

Labcorp Genetics (formerly Invitae), Labcorp
Classification: Uncertain significance for Baller-Gerold syndrome. Last evaluated: 2023-08-18. Review status: criteria provided, single submitter. Criteria: Invitae Variant Classification Sherloc (09022015). Collection method: clinical testing. Allele origin: germline.
Comment: Advanced modeling of protein sequence and biophysical properties (such as structural, functional, and spatial information, amino acid conservation, physicochemical variation, residue mobility, and thermodynamic stability) performed at Invitae indicates that this missense variant is not expected to disrupt RECQL4 protein function. This sequence change replaces alanine, which is neutral and non-polar, with threonine, which is neutral and polar, at codon 841 of the RECQL4 protein (p.Ala841Thr). This variant is not present in population databases (gnomAD no frequency). This variant has not been reported in the literature in individuals affected with RECQL4-related conditions. In summary, the available evidence is currently insufficient to determine the role of this variant in disease. Therefore, it has been classified as a Variant of Uncertain Significance.